The following is an entry in ClinVar:

NM_001372076.1(PAX9):c.192C>T (p.Gly64=)

Gene: PAX9 (paired box 9; plus strand). Cytogenetic location: 14q13.3.
Variant type: single nucleotide variant.
Coding change: c.192C>T on transcript NM_001372076.1 (MANE Select); coding-DNA position 192, C replaced by T.
Protein change: p.Gly64=; no amino-acid change (glycine 64 retained).
Molecular consequence: synonymous variant.
Genome position (GRCh38, 1-based): chr14:36,663,084, C>T. VCF-style: chr14-36663084-C-T. GRCh37 (hg19) VCF-style: chr14-37132289-C-T.
Other names: c.192C>T, p.Gly64= (NM_006194.4).
Identifiers: ClinVar variation 883962 (VCV000883962.8), dbSNP rs200688741, ClinGen allele CA7158925.

ClinVar aggregate classification (germline): Conflicting classifications of pathogenicity. Review status: criteria provided, conflicting classifications (1 of 4 stars). 3 submissions from 3 submitters: Uncertain significance (1); Likely benign (1). 1 of the submissions does not count toward it. Last evaluated 2024-03-23.

Conditions:
Hypodontia. Also called: Partial congenital absence of teeth; Tooth agenesis, selective. Identifiers: Orphanet 99798, MedGen C0020608, MONDO:0005486, HP:0000668. Disease mechanism: loss of function.
PAX9-related disorder. Also called: PAX9-related condition.
Tooth agenesis, selective, 3 (STHAG3). Also called: HYPODONTIA/OLIGODONTIA 3. Identifiers: Orphanet 99798, MedGen C1970291, MONDO:0011477, OMIM 604625. Disease mechanism: loss of function.

Allele frequency attached by ClinVar (database versions not stated): gnomAD exomes 0.00014 and 0.00019; ExAC 0.00015; TOPMed 0.00015; gnomAD 0.00018 and 0.00019; ESP Exome Variant Server 0.00023.
gnomAD v4.1: 309 of 1,613,850 alleles (0.019%); highest among the groups gnomAD compares: Non-Finnish European, 0.022%; no homozygotes.

Submissions (3):

Labcorp Genetics (formerly Invitae), Labcorp
Classification: Likely benign for Hypodontia. Last evaluated: 2024-03-23. Review status: criteria provided, single submitter. Criteria: Invitae Variant Classification Sherloc (09022015). Collection method: clinical testing. Allele origin: germline.

Illumina Laboratory Services, Illumina
Classification: Uncertain significance for Tooth agenesis, selective, 3. Last evaluated: 2018-01-12. Review status: criteria provided, single submitter. Criteria: ICSL Variant Classification Criteria 13 December 2019. Collection method: clinical testing. Allele origin: germline.

PreventionGenetics, part of Exact Sciences
Classification: Likely benign for PAX9-related condition. Last evaluated: 2023-06-21. Review status: no assertion criteria provided. Collection method: clinical testing. Allele origin: germline. Not counted in ClinVar's aggregate classification.
Comment: This variant is classified as likely benign based on ACMG/AMP sequence variant interpretation guidelines (Richards et al. 2015 PMID: 25741868, with internal and published modifications).